The following is an entry in ClinVar:

ClinVar aggregate classification (germline): Uncertain significance (1 of 4 stars; one submission).

Allele frequency attached by ClinVar (database versions not stated): gnomAD exomes below 0.00001.
gnomAD v4.1: 2 of 1,613,686 alleles (0.00012%); highest among the groups gnomAD compares: East Asian, 0.0022%; no homozygotes.

Submission:

Ambry Genetics
Classification: Uncertain significance. Last evaluated: 2024-01-19. Review status: criteria provided, single submitter. Criteria: Ambry Variant Classification Scheme 2023. Collection method: clinical testing. Allele origin: germline.
Comment: The p.D25N variant (also known as c.73G>A), located in coding exon 1 of the TERF2IP gene, results from a G to A substitution at nucleotide position 73. The aspartic acid at codon 25 is replaced by asparagine, an amino acid with highly similar properties. This amino acid position is conserved. In addition, this alteration is predicted to be tolerated by in silico analysis. Since supporting evidence is limited at this time, the clinical significance of this alteration remains unclear.

NM_018975.4(TERF2IP):c.73G>A (p.Asp25Asn)

Gene: TERF2IP (TERF2 interacting protein; plus strand). Cytogenetic location: 16q23.1.
Variant type: single nucleotide variant.
Coding change: c.73G>A on transcript NM_018975.4 (MANE Select); coding-DNA position 73, G replaced by A.
Protein change: p.Asp25Asn; replaces aspartic acid 25 with asparagine.
Molecular consequence: missense variant. On other transcripts: non-coding transcript variant (1).
Genome position (GRCh38, 1-based): chr16:75,647,955, G>A. VCF-style: chr16-75647955-G-A. GRCh37 (hg19) VCF-style: chr16-75681853-G-A.
Other names: short protein forms D25N.
Identifiers: ClinVar variation 1758724 (VCV001758724.2), dbSNP rs1351362988, ClinGen allele CA396817170.